The following is an entry in ClinVar:

NM_032383.5(HPS3):c.791_792insC (p.Lys264fs)

Gene: HPS3 (HPS3 biogenesis of lysosomal organelles complex 2 subunit 1; plus strand). Cytogenetic location: 3q24.
Variant type: Insertion.
Coding change: c.791_792insC on transcript NM_032383.5 (MANE Select); coding-DNA positions 791 to 792, C inserted.
Protein change: p.Lys264fs; shifts the reading frame from lysine 264.
Molecular consequence: frameshift variant.
Genome position: GRCh38 VCF-style: chr3-149141095-A-AC. GRCh37 (hg19) VCF-style: chr3-148858882-A-AC.
Other names: c.296_297insC, p.Lys99fs (NM_001308258.2); short protein forms K264fs, K99fs.
Identifiers: ClinVar variation 1725752 (VCV001725752.2), dbSNP rs2473072416, ClinGen allele CA2580068907.

ClinVar aggregate classification (germline): Likely pathogenic (1 of 4 stars; one submission).

Conditions:
Hermansky-Pudlak syndrome 3 (HPS3). Identifiers: Orphanet 231512, Orphanet 79430, MedGen C3888001, MONDO:0013555, OMIM 614072.

Submission:

Myriad Genetics, Inc.
Classification: Likely pathogenic for Hermansky-Pudlak syndrome 3. Last evaluated: 2022-03-31. Review status: criteria provided, single submitter. Criteria: Myriad Women's Health Autosomal Recessive and X-Linked Classification Criteria (2021). Collection method: clinical testing. Allele origin: unknown.
Comment: NM_032383.3(HPS3):c.791_792insC(K264Nfs*3) is expected to be pathogenic in the context of Hermansky-Pudlak syndrome type 3. This variant is predicted to lead to an abnormal or absent protein product due to the creation of a premature termination codon in HPS3, a gene where loss-of-function variants are known to be pathogenic. Please note: this variant was assessed in the context of healthy population screening.